The following is an entry in ClinVar:

ClinVar aggregate classification (germline): Pathogenic (1 of 4 stars; one submission).

Conditions:
Frontotemporal dementia and/or amyotrophic lateral sclerosis 4. Also called: FTDALS4. Identifiers: Orphanet 275872, MedGen C4225325, MONDO:0014641, OMIM 616439.

Submission:

Labcorp Genetics (formerly Invitae), Labcorp
Classification: Pathogenic for Frontotemporal dementia and/or amyotrophic lateral sclerosis 4. Last evaluated: 2020-09-09. Review status: criteria provided, single submitter. Criteria: Invitae Variant Classification Sherloc (09022015). Collection method: clinical testing. Allele origin: germline.
Comment: This variant has not been reported in the literature in individuals with TBK1-related conditions. This sequence change creates a premature translational stop signal (p.Glu580Aspfs*19) in the TBK1 gene. It is expected to result in an absent or disrupted protein product. This variant is not present in population databases (ExAC no frequency). For these reasons, this variant has been classified as Pathogenic. Loss-of-function variants in TBK1 are known to be pathogenic (PMID: 25803835, 26476236, 26581300).

Literature cited by the submitters: PubMed 25803835; PubMed 26476236; PubMed 26581300.

NM_013254.4(TBK1):c.1740del (p.Glu580fs)

Gene: TBK1 (TANK binding kinase 1; plus strand). Cytogenetic location: 12q14.2.
Variant type: Deletion.
Coding change: c.1740del on transcript NM_013254.4 (MANE Select); coding-DNA position 1740, one base deleted (A; older notation c.1740delA).
Protein change: p.Glu580fs; shifts the reading frame from glutamic acid 580.
Molecular consequence: frameshift variant.
Genome position (GRCh38, 1-based): chr12:64,496,386, A deleted; the last of 2 consecutive A bases (chr12:64,496,385-64,496,386); deleting either gives the same sequence. VCF-style (leftmost placement, unchanged base first): chr12-64496384-GA-G. GRCh37 (hg19) VCF-style: chr12-64890164-GA-G.
Other names: short protein forms E580fs.
Identifiers: ClinVar variation 1073720 (VCV001073720.7), dbSNP rs2136087722, ClinGen allele CA2499221826.